The following is an entry in ClinVar:

ClinVar aggregate classification (germline): Uncertain significance. Review status: criteria provided, multiple submitters, no conflicts (2 of 4 stars). 8 submissions from 8 submitters: Uncertain significance (8). Last evaluated 2025-06-10.

Conditions:
Predisposition to cancer.
Hereditary cancer-predisposing syndrome. Also called: Neoplastic Syndromes, Hereditary; Tumor predisposition; Hereditary Cancer Syndrome; Hereditary neoplastic syndrome. Identifiers: Orphanet 140162, MedGen C0027672, MeSH D009386, MONDO:0015356.
Familial cancer of breast. Also called: BREAST CANCER, FAMILIAL; hereditary breast carcinoma; Hereditary breast cancer. Identifiers: Orphanet 227535, MedGen C0346153, MONDO:0016419, OMIM 114480. Disease mechanism: loss of function.
CHEK2-related disorder.

Allele frequency attached by ClinVar (database versions not stated): gnomAD exomes below 0.00001 and 0.00001; gnomAD 0.00001; 1000 Genomes Project 30x 0.00016; 1000 Genomes Project 0.00020.
gnomAD v4.1: 4 of 1,595,378 alleles (0.00025%); highest among the groups gnomAD compares: Admixed American, 0.005%; no homozygotes.

Submissions (8):

Labcorp Genetics (formerly Invitae), Labcorp
Classification: Uncertain significance for Familial cancer of breast. Last evaluated: 2025-06-10. Review status: criteria provided, single submitter. Criteria: Invitae Variant Classification Sherloc (09022015). Collection method: clinical testing. Allele origin: germline.
Comment: This sequence change replaces lysine, which is basic and polar, with arginine, which is basic and polar, at codon 464 of the CHEK2 protein (p.Lys464Arg). This variant is present in population databases (rs529571124, gnomAD 0.006%). This variant has not been reported in the literature in individuals affected with CHEK2-related conditions. ClinVar contains an entry for this variant (Variation ID: 232215). An algorithm developed to predict the effect of missense changes on protein structure and function (PolyPhen-2) suggests that this variant is likely to be tolerated. RNA analysis performed to evaluate the impact of this missense change on mRNA splicing indicates it does not significantly alter splicing (internal data). In summary, the available evidence is currently insufficient to determine the role of this variant in disease. Therefore, it has been classified as a Variant of Uncertain Significance.

Ambry Genetics
Classification: Uncertain significance for Hereditary cancer-predisposing syndrome. Last evaluated: 2025-04-22. Review status: criteria provided, single submitter. Criteria: Ambry Variant Classification Scheme 2023. Collection method: clinical testing. Allele origin: germline.
Comment: The p.K464R variant (also known as c.1391A>G), located in coding exon 12 of the CHEK2 gene, results from an A to G substitution at nucleotide position 1391. The lysine at codon 464 is replaced by arginine, an amino acid with highly similar properties. This amino acid position is highly conserved in available vertebrate species. In silico splice site analysis for this alteration is inconclusive and direct evidence is insufficient at this time (Ambry internal data). In addition, the in silico prediction for this alteration is inconclusive. Based on the available evidence, the clinical significance of this variant remains unclear.

Color Diagnostics, LLC DBA Color Health
Classification: Uncertain significance for Hereditary cancer-predisposing syndrome. Last evaluated: 2024-03-06. Review status: criteria provided, single submitter. Criteria: ACMG Guidelines, 2015. Collection method: clinical testing. Allele origin: germline.
Comment: This missense variant replaces lysine with arginine at codon 464 of the CHEK2 protein. Computational prediction suggests that this variant may not impact protein structure and function (internally defined REVEL score threshold <= 0.5, PMID: 27666373). Splice site prediction tools indicate that this variant may activate a cryptic acceptor site. To our knowledge, functional studies have not been reported for this variant. This variant has not been reported in individuals affected with hereditary cancer in the literature. This variant has been identified in 2/233754 chromosomes in the general population by the Genome Aggregation Database (gnomAD). The available evidence is insufficient to determine the role of this variant in disease conclusively. Therefore, this variant is classified as a Variant of Uncertain Significance.

St. Jude Molecular Pathology, St. Jude Children's Research Hospital
Classification: Uncertain significance for Predisposition to cancer. Last evaluated: 2024-01-23. Review status: criteria provided, single submitter. Criteria: St. Jude Assertion Criteria 2020. Collection method: clinical testing. Allele origin: germline.

Baylor Genetics
Classification: Uncertain significance for Familial cancer of breast. Last evaluated: 2023-06-02. Review status: criteria provided, single submitter. Criteria: ACMG Guidelines, 2015. Collection method: clinical testing. Allele origin: unknown.

PreventionGenetics, part of Exact Sciences
Classification: Uncertain significance for CHEK2-related condition. Last evaluated: 2023-05-18. Review status: criteria provided, single submitter. Criteria: ACMG Guidelines, 2015. Collection method: clinical testing. Allele origin: germline.
Comment: The CHEK2 c.1391A>G variant is predicted to result in the amino acid substitution p.Lys464Arg. To our knowledge, this variant has not been reported in the literature. This variant is reported in 2 of ~234,000 alleles in gnomAD. It is interpreted as uncertain significance in ClinVar. At this time, the clinical significance of this variant is uncertain due to the absence of conclusive functional and genetic evidence.

Quest Diagnostics Nichols Institute San Juan Capistrano
Classification: Uncertain significance. Last evaluated: 2022-09-22. Review status: criteria provided, single submitter. Criteria: Quest Diagnostics criteria. Collection method: clinical testing. Allele origin: unknown.
Comment: The variant has not been reported in the published literature. The frequency of this variant in the general population, 0.0000086 (2/233754 chromosomes), is uninformative in assessment of its pathogenicity. Analysis of this variant using bioinformatics tools for the prediction of the effect of amino acid changes on protein structure and function yielded predictions that this variant is benign. Additional analysis using software algorithms for the prediction of the effect of nucleotide changes on CHEK2 mRNA splicing yielded predictions that this variant may result in the gain of a cryptic splice site without affecting the natural splice sites . Based on the available information, we are unable to determine the clinical significance of this variant.

GeneDx
Classification: Uncertain significance. Last evaluated: 2019-10-08. Review status: criteria provided, single submitter. Criteria: GeneDx Variant Classification Process June 2021. Collection method: clinical testing. Allele origin: germline. Affected: yes.
Comment: Not observed at a significant frequency in large population cohorts (Lek 2016); Has not been previously published as pathogenic or benign to our knowledge

NM_007194.4(CHEK2):c.1391A>G (p.Lys464Arg)

Gene: CHEK2 (checkpoint kinase 2; minus strand). Cytogenetic location: 22q12.1.
Variant type: single nucleotide variant.
Coding change: c.1391A>G on transcript NM_007194.4 (MANE Select); coding-DNA position 1391, A replaced by G.
Protein change: p.Lys464Arg; replaces lysine 464 with arginine.
Molecular consequence: missense variant.
Genome position (GRCh38, 1-based): chr22:28,694,102, T>C on the plus strand (A>G on the coding strand, the complement: CHEK2 is on the minus strand). VCF-style: chr22-28694102-T-C. GRCh37 (hg19) VCF-style: chr22-29090090-T-C.
Other names: c.1520A>G, p.Lys507Arg (NM_001005735.3); c.728A>G, p.Lys243Arg (NM_001257387.3); c.1190A>G, p.Lys397Arg (NM_001349956.3); c.1304A>G, p.Lys435Arg (NM_145862.3); short protein forms K464R, K397R, K435R, K507R, K243R.
Identifiers: ClinVar variation 232215 (VCV000232215.26), dbSNP rs529571124, ClinGen allele CA10581031.